The following is an entry in ClinVar:

NM_153704.6(TMEM67):c.1264C>T (p.His422Tyr)

Gene: TMEM67 (transmembrane protein 67; plus strand). Cytogenetic location: 8q22.1.
Variant type: single nucleotide variant.
Coding change: c.1264C>T on transcript NM_153704.6 (MANE Select); coding-DNA position 1264, C replaced by T.
Protein change: p.His422Tyr; replaces histidine 422 with tyrosine.
Molecular consequence: missense variant. On other transcripts: non-coding transcript variant (1).
Genome position (GRCh38, 1-based): chr8:93,785,354, C>T. VCF-style: chr8-93785354-C-T. GRCh37 (hg19) VCF-style: chr8-94797582-C-T.
Other names: c.1021C>T, p.His341Tyr (NM_001142301.1); short protein forms H422Y, H341Y.
Identifiers: ClinVar variation 1904242 (VCV001904242.7), dbSNP rs146368370, ClinGen allele CA4807910.

ClinVar aggregate classification (germline): Conflicting classifications of pathogenicity. Review status: criteria provided, conflicting classifications (1 of 4 stars). 4 submissions from 4 submitters: Uncertain significance (3); Likely benign (1). Last evaluated 2025-01-07.

Conditions:
Meckel syndrome, type 3 (MKS3). Also called: MECKEL-GRUBER SYNDROME, TYPE 3. Identifiers: Orphanet 564, MedGen C1846357, MONDO:0011821, OMIM 607361.
Bardet-Biedl syndrome 14 (BBS14). Identifiers: Orphanet 110, MedGen C2673874, MONDO:0014442, OMIM 615991.
COACH syndrome 1. Identifiers: Orphanet 1454, MedGen C5435651, MONDO:0800103, OMIM 216360, MONDO:0008996.
Nephronophthisis 11 (NPHP11). Identifiers: Orphanet 84081, MedGen C3150796, MONDO:0013302, OMIM 613550.
RHYNS syndrome. Also called: RETINITIS PIGMENTOSA SYNDROME; RETINITIS PIGMENTOSA, HYPOPITUITARISM, NEPHRONOPHTHISIS, AND MILD SKELETAL DYSPLASIA. Identifiers: Orphanet 140976, MedGen C1865794, MONDO:0011202, OMIM 602152.
Joubert syndrome 6 (JBTS6). Identifiers: Orphanet 475, MedGen C1853153, MONDO:0012539, OMIM 610688.
Joubert syndrome. Also called: JOUBERT-BOLTSHAUSER SYNDROME; Familial aplasia of the vermis. Identifiers: Orphanet 475, MedGen C5979921, MONDO:0018772.
Meckel-Gruber syndrome. Also called: DYSENCEPHALIA SPLANCHNOCYSTICA; GRUBER SYNDROME; Dysencephalia splachnocystica. Identifiers: Orphanet 564, MedGen C0265215, MONDO:0018921.
TMEM67-related disorder. Also called: TMEM67-related condition; TMEM67-related disorders. Identifiers: MedGen CN239423.

Allele frequency attached by ClinVar (database versions not stated): gnomAD exomes below 0.00001; TOPMed below 0.00001; ExAC 0.00001; gnomAD 0.00001; ESP Exome Variant Server 0.00008.

Submissions (4):

PreventionGenetics, part of Exact Sciences
Classification: Uncertain significance for TMEM67-related condition. Last evaluated: 2025-01-07. Review status: criteria provided, single submitter. Criteria: ACMG Guidelines, 2015. Collection method: clinical testing. Allele origin: germline.
Comment: The TMEM67 c.1264C>T variant is predicted to result in the amino acid substitution p.His422Tyr. To our knowledge, this variant has not been reported in the literature. This variant is reported in 0.012% of alleles in individuals of African descent in gnomAD. At this time, the clinical significance of this variant is uncertain due to the absence of conclusive functional and genetic evidence.

Labcorp Genetics (formerly Invitae), Labcorp
Classification: Uncertain significance for Joubert syndrome; Meckel-Gruber syndrome. Last evaluated: 2024-09-16. Review status: criteria provided, single submitter. Criteria: Invitae Variant Classification Sherloc (09022015). Collection method: clinical testing. Allele origin: germline.
Comment: This sequence change replaces histidine, which is basic and polar, with tyrosine, which is neutral and polar, at codon 422 of the TMEM67 protein (p.His422Tyr). This variant is present in population databases (rs146368370, gnomAD 0.01%). This variant has not been reported in the literature in individuals affected with TMEM67-related conditions. ClinVar contains an entry for this variant (Variation ID: 1904242). An algorithm developed to predict the effect of missense changes on protein structure and function outputs the following: PolyPhen-2: "Benign". The tyrosine amino acid residue is found in multiple mammalian species, which suggests that this missense change does not adversely affect protein function. In summary, the available evidence is currently insufficient to determine the role of this variant in disease. Therefore, it has been classified as a Variant of Uncertain Significance.

Fulgent Genetics
Classification: Uncertain significance for COACH syndrome 1; RHYNS syndrome; Meckel syndrome, type 3; Joubert syndrome 6; Nephronophthisis 11; Bardet-Biedl syndrome 14. Last evaluated: 2024-06-12. Review status: criteria provided, single submitter. Criteria: ACMG Guidelines, 2015. Collection method: clinical testing. Allele origin: germline.

Blueprint Genetics
Classification: Likely benign. Last evaluated: 2019-11-26. Review status: criteria provided, single submitter. Criteria: ACMG Guidelines, 2015. Collection method: clinical testing. Allele origin: germline.